The following is an entry in ClinVar:

NM_005251.3(FOXC2):c.871G>A (p.Ala291Thr)

Gene: FOXC2 (forkhead box C2; plus strand). Cytogenetic location: 16q24.1.
Variant type: single nucleotide variant.
Coding change: c.871G>A on transcript NM_005251.3 (MANE Select); coding-DNA position 871, G replaced by A.
Protein change: p.Ala291Thr; replaces alanine 291 with threonine.
Molecular consequence: missense variant.
Genome position (GRCh38, 1-based): chr16:86,568,206, G>A. VCF-style: chr16-86568206-G-A. GRCh37 (hg19) VCF-style: chr16-86601812-G-A.
Other names: short protein forms A291T.
Identifiers: ClinVar variation 4978959 (VCV004978959.1).

ClinVar aggregate classification (germline): Uncertain significance (1 of 4 stars; one submission).

Conditions:
FOXC2-related disorder. Also called: FOXC2-related condition.

Submission:

PreventionGenetics, part of Exact Sciences
Classification: Uncertain significance for FOXC2-related condition. Last evaluated: 2025-09-03. Review status: criteria provided, single submitter. Criteria: ACMG Guidelines, 2015. Collection method: clinical testing. Allele origin: germline.
Comment: The FOXC2 c.871G>A variant is predicted to result in the amino acid substitution p.Ala291Thr. To our knowledge, this variant has not been reported in the literature. This variant is reported in 0.0% of alleles in individuals of African descent in gnomAD. At this time, the clinical significance of this variant is uncertain due to the absence of conclusive functional and genetic evidence.